The following is an entry in ClinVar:

NM_000217.3(KCNA1):c.684T>C (p.Cys228=)

Gene: KCNA1 (potassium voltage-gated channel subfamily A member 1; plus strand). Cytogenetic location: 12p13.32.
Variant type: single nucleotide variant.
Coding change: c.684T>C on transcript NM_000217.3 (MANE Select); coding-DNA position 684, T replaced by C.
Protein change: p.Cys228=; no amino-acid change (cysteine 228 retained).
Molecular consequence: synonymous variant.
Genome position (GRCh38, 1-based): chr12:4,912,062, T>C. VCF-style: chr12-4912062-T-C. GRCh37 (hg19) VCF-style: chr12-5021228-T-C.
Other names: p.Cys228=.
Identifiers: ClinVar variation 21128 (VCV000021128.33), dbSNP rs1048500, ClinGen allele CA153257.
Genomic context (GRCh38, chr12:4,912,062, plus strand): 5'-CACGGTCATCTACAATTCCAACATCTTCACAGACCCCTTCTTCATCGTGGAAACGCTGTG[T>C]ATCATCTGGTTCTCCTTCGAGCTGGTGGTGCGCTTCTTCGCCTGCCCCAGCAAGACGGAC-3'
Protein context (NP_000208.2, residues 218-238): TDPFFIVETL[Cys228=]IIWFSFELVV

ClinVar aggregate classification (germline): Benign. Review status: criteria provided, multiple submitters, no conflicts (2 of 4 stars). 13 submissions from 13 submitters: Benign (9). 4 of the submissions do not count toward it. Last evaluated 2026-02-04.

Conditions:
Episodic ataxia type 1 (EA1). Also called: ATAXIA, EPISODIC, WITH MYOKYMIA; Episodic ataxia/myokymia syndrome; MYOKYMIA WITH PERIODIC ATAXIA; PAROXYSMAL ATAXIA WITH NEUROMYOTONIA, HEREDITARY. Identifiers: Orphanet 37612, Orphanet 972, MedGen C1719788, MONDO:0008047, OMIM 160120.

Allele frequency attached by ClinVar (database versions not stated): gnomAD 0.46819 and 0.47043; gnomAD exomes 0.49234 and 0.48867; ESP Exome Variant Server 0.46901; TOPMed 0.47465; 1000 Genomes Project 30x 0.48579; ExAC 0.48858; 1000 Genomes Project 0.48902.

Submissions (13):

Labcorp Genetics (formerly Invitae), Labcorp
Classification: Benign for Episodic ataxia type 1. Last evaluated: 2026-02-04. Review status: criteria provided, single submitter. Criteria: Invitae Variant Classification Sherloc (09022015). Collection method: clinical testing. Allele origin: germline.

Blueprint Genetics
Classification: Benign. Last evaluated: 2024-11-27. Review status: criteria provided, single submitter. Criteria: ACMG Guidelines, 2015. Collection method: clinical testing. Allele origin: germline.

Unidad de Genómica Garrahan, Hospital de Pediatría Garrahan
Classification: Benign. Last evaluated: 2024-07-31. Review status: criteria provided, single submitter. Criteria: ACMG Guidelines, 2015. Collection method: clinical testing. Allele origin: germline. Affected: no. Observed: 66 variant alleles.
Comment: This variant is classified as Benign based on local population frequency. This variant was detected in 71% of patients studied in a panel designed for Epileptic and Developmental Encephalopathy, Progressive Myoclonus Epilepsy and Abnormal Movements and Neurodegeneration with brain iron accumulation. Number of patients: 66. Only high quality variants are reported.

Mayo Clinic Laboratories, Mayo Clinic
Classification: Benign. Last evaluated: 2022-03-24. Review status: criteria provided, single submitter. Criteria: ACMG Guidelines, 2015. Collection method: clinical testing. Allele origin: germline. Observed: 603 variant alleles.

Genome-Nilou Lab
Classification: Benign for Episodic ataxia type 1. Last evaluated: 2021-08-19. Review status: criteria provided, single submitter. Criteria: ACMG Guidelines, 2015. Collection method: clinical testing. Allele origin: germline. Affected: no.

GeneDx
Classification: Benign. Last evaluated: 2018-11-12. Review status: criteria provided, single submitter. Criteria: GeneDx Variant Classification Process June 2021. Collection method: clinical testing. Allele origin: germline. Affected: yes.

Athena Diagnostics
Classification: Benign. Last evaluated: 2018-05-07. Review status: criteria provided, single submitter. Criteria: Athena Diagnostics Criteria. Collection method: clinical testing. Allele origin: germline.

Illumina Laboratory Services, Illumina
Classification: Benign for Episodic ataxia type 1. Last evaluated: 2018-01-13. Review status: criteria provided, single submitter. Criteria: ICSL Variant Classification Criteria 13 December 2019. Collection method: clinical testing. Allele origin: germline.
Comment: This variant was observed in the ICSL laboratory as part of a predisposition screen in an ostensibly healthy population. It had not been previously curated by ICSL or reported in the Human Gene Mutation Database (HGMD: prior to June 1st, 2018), and was therefore a candidate for classification through an automated scoring system. Utilizing variant allele frequency, disease prevalence and penetrance estimates, and inheritance mode, an automated score was calculated to assess if this variant is too frequent to cause the disease. Based on the score and internal cut-off values, a variant classified as benign is not then subjected to further curation. The score for this variant resulted in a classification of benign for this disease.

Breakthrough Genomics
Classification: Benign. Review status: criteria provided, single submitter. Criteria: ACMG Guidelines, 2015. Collection method: not provided. Allele origin: germline. Inheritance: Autosomal dominant inheritance. Affected: yes.

Clinical Genetics DNA and cytogenetics Diagnostics Lab, Erasmus MC, Erasmus Medical Center
Classification: Benign. Review status: no assertion criteria provided. Collection method: clinical testing. Allele origin: germline. Affected: yes. Study: VKGL Data-share Consensus. Not counted in ClinVar's aggregate classification.

Diagnostic Laboratory, Department of Genetics, University Medical Center Groningen
Classification: Benign. Review status: no assertion criteria provided. Collection method: clinical testing. Allele origin: germline. Affected: yes. Study: VKGL Data-share Consensus. Not counted in ClinVar's aggregate classification.

Genetic Services Laboratory, University of Chicago
Classification: Likely benign for AllHighlyPenetrant. Review status: no assertion criteria provided. Collection method: clinical testing. Allele origin: germline. Inheritance: Autosomal dominant inheritance. Not counted in ClinVar's aggregate classification.
Comment: Likely benign based on allele frequency in 1000 Genomes Project or ESP global frequency and its presence in a patient with a rare or unrelated disease phenotype. NOT Sanger confirmed.

Joint Genome Diagnostic Labs from Nijmegen and Maastricht, Radboudumc and MUMC+
Classification: Benign. Review status: no assertion criteria provided. Collection method: clinical testing. Allele origin: germline. Affected: yes. Study: VKGL Data-share Consensus. Not counted in ClinVar's aggregate classification.